The following is an entry in ClinVar:

ClinVar aggregate classification (germline): Likely benign (1 of 4 stars; one submission).

Allele frequency attached by ClinVar (database versions not stated): TOPMed 0.00001 and below 0.00001; ESP Exome Variant Server 0.00008.
gnomAD v4.1: 3 of 1,613,692 alleles (0.00019%); highest among the groups gnomAD compares: African/African-American, 0.0013%; no homozygotes.

Submission:

GeneDx
Classification: Likely benign. Last evaluated: 2015-12-01. Review status: criteria provided, single submitter. Criteria: GeneDx Variant Classification (06012015). Collection method: clinical testing. Allele origin: germline. Affected: yes.
Comment: This variant is considered likely benign or benign based on one or more of the following criteria: it is a conservative change, it occurs at a poorly conserved position in the protein, it is predicted to be benign by multiple in silico algorithms, and/or has population frequency not consistent with disease.

NM_005431.2(XRCC2):c.-10C>T

Gene: XRCC2 (X-ray repair cross complementing 2; minus strand). Cytogenetic location: 7q36.1.
Variant type: single nucleotide variant.
Coding change: c.-10C>T on transcript NM_005431.2 (MANE Select); 10 bases upstream of the start codon, C replaced by T.
Molecular consequence: 5 prime UTR variant.
Genome position (GRCh38, 1-based): chr7:152,676,089, G>A on the plus strand (C>T on the coding strand, the complement: XRCC2 is on the minus strand). VCF-style: chr7-152676089-G-A. GRCh37 (hg19) VCF-style: chr7-152373174-G-A.
Identifiers: ClinVar variation 381972 (VCV000381972.1), dbSNP rs377067415, ClinGen allele CA4582452.